The following is an entry in ClinVar:

ClinVar aggregate classification (germline): Uncertain significance (1 of 4 stars; one submission).

Conditions:
Inborn genetic diseases. Identifiers: MedGen C0950123, MeSH D030342.

Submission:

Ambry Genetics
Classification: Uncertain significance for Inborn genetic diseases. Last evaluated: 2026-05-26. Review status: criteria provided, single submitter. Criteria: Ambry Variant Classification Scheme 2023. Collection method: clinical testing. Allele origin: germline.
Comment: The c.497T>C (p.L166P) alteration is located in exon 2 (coding exon 2) of the NR2F2 gene. This alteration results from a T to C substitution at nucleotide position 497, causing the leucine (L) at amino acid position 166 to be replaced by a proline (P). Based on data from gnomAD, the C allele has an overall frequency of <0.001% (1/250792) total alleles studied. The highest observed frequency was 0.001% (1/113382) of European (non-Finnish) alleles. Based on insufficient or conflicting evidence, the clinical significance of this alteration remains unclear.

NM_021005.4(NR2F2):c.497T>C (p.Leu166Pro)

Gene: NR2F2 (nuclear receptor subfamily 2 group F member 2; plus strand). Cytogenetic location: 15q26.2.
Variant type: single nucleotide variant.
Coding change: c.497T>C on transcript NM_021005.4 (MANE Select); coding-DNA position 497, T replaced by C.
Protein change: p.Leu166Pro; replaces leucine 166 with proline.
Molecular consequence: missense variant.
Genome position (GRCh38, 1-based): chr15:96,334,130, T>C. VCF-style: chr15-96334130-T-C. GRCh37 (hg19) VCF-style: chr15-96877359-T-C.
Other names: c.98T>C, p.Leu33Pro (NM_001145155.2); c.38T>C, p.Leu13Pro (NM_001145156.1, NM_001145157.2); short protein forms L13P, L166P, L33P.
Identifiers: ClinVar variation 4861170 (VCV004861170.1).